The following is an entry in ClinVar:

ClinVar aggregate classification (germline): Uncertain significance. Review status: criteria provided, multiple submitters, no conflicts (2 of 4 stars). 2 submissions from 2 submitters: Uncertain significance (2). Last evaluated 2025-02-18.

Conditions:
Kabuki syndrome. Also called: NIIKAWA-KUROKI SYNDROME; Kabuki make-up syndrome. Identifiers: Orphanet 2322, MedGen C0796004, MONDO:0016512.

Allele frequency attached by ClinVar (database versions not stated): gnomAD exomes below 0.00001.
gnomAD v4.1: 1 of 1,614,014 alleles (0.000062%); highest among the groups gnomAD compares: Non-Finnish European, 0.000085%; no homozygotes.

Submissions (2):

Dasa
Classification: Uncertain significance. Last evaluated: 2025-02-18. Review status: criteria provided, single submitter. Criteria: DASA Assertion Criteria. Collection method: clinical testing. Allele origin: germline.
Comment: NM_003482.4(KMT2D):c.7853C>T (p.Pro2618Leu) is a missense variant that results in the substitution of proline with leucine. This variant is rare in population databases. Computational prediction algorithms are consistent with a benign effect. The currently available literature and clinical evidence are not sufficient to establish a definitive association between this variant and the reported condition. Therefore, this variant is classified as a variant of uncertain significance.

Labcorp Genetics (formerly Invitae), Labcorp
Classification: Uncertain significance for Kabuki syndrome. Last evaluated: 2022-12-20. Review status: criteria provided, single submitter. Criteria: Invitae Variant Classification Sherloc (09022015). Collection method: clinical testing. Allele origin: germline.
Comment: This sequence change replaces proline, which is neutral and non-polar, with leucine, which is neutral and non-polar, at codon 2618 of the KMT2D protein (p.Pro2618Leu). This variant is not present in population databases (gnomAD no frequency). This variant has not been reported in the literature in individuals affected with KMT2D-related conditions. Advanced modeling of protein sequence and biophysical properties (such as structural, functional, and spatial information, amino acid conservation, physicochemical variation, residue mobility, and thermodynamic stability) performed at Invitae indicates that this missense variant is not expected to disrupt KMT2D protein function. In summary, the available evidence is currently insufficient to determine the role of this variant in disease. Therefore, it has been classified as a Variant of Uncertain Significance.

NM_003482.4(KMT2D):c.7853C>T (p.Pro2618Leu)

Gene: KMT2D (lysine methyltransferase 2D; minus strand). Cytogenetic location: 12q13.12.
Variant type: single nucleotide variant.
Coding change: c.7853C>T on transcript NM_003482.4 (MANE Select); coding-DNA position 7853, C replaced by T.
Protein change: p.Pro2618Leu; replaces proline 2618 with leucine.
Molecular consequence: missense variant.
Genome position (GRCh38, 1-based): chr12:49,039,917, G>A on the plus strand (C>T on the coding strand, the complement: KMT2D is on the minus strand). VCF-style: chr12-49039917-G-A. GRCh37 (hg19) VCF-style: chr12-49433700-G-A.
Other names: short protein forms P2618L.
Identifiers: ClinVar variation 2200771 (VCV002200771.6), dbSNP rs2120519577, ClinGen allele CA384746666.
Genomic context (GRCh38, chr12:49,039,917, plus strand): 5'-ATGCCTGATCGCTGTGAGGCTCCATGGGACAGGTAGGGGAGGGATCCGTCGGGTGCAGGT[G>A]GTGGCAGAACCGACGGAGGGCGTAGTGGGGACAGCCCATAGCTCTCCCCTGTGGACCCGC-3'
Protein context (NP_003473.3, residues 2608-2628): SPLRPPSVLP[Pro2618Leu]PAPDGSLPYL